The following is an entry in ClinVar:

NM_000321.3(RB1):c.540-23dup

Gene: RB1 (RB transcriptional corepressor 1; plus strand). Cytogenetic location: 13q14.2.
Variant type: Duplication.
Coding change: c.540-23dup on transcript NM_000321.3 (MANE Select); 23 bases into the intron before coding-DNA position 540, one base duplicated (T; older notation c.540-23dupT).
Molecular consequence: intron variant.
Genome position (GRCh38, 1-based): chr13:48,348,933, T duplicated; the last of 8 consecutive T bases (chr13:48,348,926-48,348,933); duplicating any one gives the same sequence. VCF-style (leftmost placement, unchanged base first): chr13-48348925-G-GT. GRCh37 (hg19) VCF-style: chr13-48923061-G-GT.
Identifiers: ClinVar variation 1703372 (VCV001703372.2), dbSNP rs3092860, ClinGen allele CA038678.

ClinVar aggregate classification (germline): Likely benign (1 of 4 stars; one submission).

Submission:

GeneDx
Classification: Likely benign. Last evaluated: 2021-01-23. Review status: criteria provided, single submitter. Criteria: GeneDx Variant Classification Process June 2021. Collection method: clinical testing. Allele origin: germline. Affected: yes.
Comment: See Variant Classification Assertion Criteria.